The following is an entry in ClinVar:

NM_001844.5(COL2A1):c.1862G>A (p.Gly621Glu)

Gene: COL2A1 (collagen type II alpha 1 chain; minus strand). Cytogenetic location: 12q13.11.
Variant type: single nucleotide variant.
Coding change: c.1862G>A on transcript NM_001844.5 (MANE Select); coding-DNA position 1862, G replaced by A.
Protein change: p.Gly621Glu; replaces glycine 621 with glutamic acid.
Molecular consequence: missense variant.
Genome position (GRCh38, 1-based): chr12:47,984,571, C>T on the plus strand (G>A on the coding strand, the complement: COL2A1 is on the minus strand). VCF-style: chr12-47984571-C-T. GRCh37 (hg19) VCF-style: chr12-48378354-C-T.
Other names: c.1655G>A, p.Gly552Glu (NM_033150.3); short protein forms G552E, G621E.
Identifiers: ClinVar variation 1702527 (VCV001702527.4), dbSNP rs1939281881, ClinGen allele CA384549411.

ClinVar aggregate classification (germline): Pathogenic/Likely pathogenic. Review status: criteria provided, multiple submitters, no conflicts (2 of 4 stars). 3 submissions from 3 submitters: Pathogenic (1); Likely pathogenic (2). Last evaluated 2025-07-04.

Conditions:
Connective tissue disorder. Also called: Connective tissue disease. Identifiers: MedGen C0009782, MONDO:0003900.
Avascular necrosis of femoral head, primary, 1 (ANFH1). Also called: Avascular necrosis of femoral head, primary. Identifiers: Orphanet 86820, MedGen C4551562, MONDO:0054550, OMIM 608805.

Submissions (3):

Labcorp Genetics (formerly Invitae), Labcorp
Classification: Likely pathogenic. Last evaluated: 2025-07-04. Review status: criteria provided, single submitter. Criteria: Invitae Variant Classification Sherloc (09022015). Collection method: clinical testing. Allele origin: germline.
Comment: This sequence change replaces glycine, which is neutral and non-polar, with glutamic acid, which is acidic and polar, at codon 621 of the COL2A1 protein (p.Gly621Glu). This variant is not present in population databases (gnomAD no frequency). This variant has not been reported in the literature in individuals affected with COL2A1-related conditions. ClinVar contains an entry for this variant (Variation ID: 1702527). Invitae Evidence Modeling of protein sequence and biophysical properties (such as structural, functional, and spatial information, amino acid conservation, physicochemical variation, residue mobility, and thermodynamic stability) indicates that this missense variant is expected to disrupt COL2A1 protein function with a positive predictive value of 95%. This variant disrupts the triple helix domain of COL2A1. Glycine residues within the Gly-Xaa-Yaa repeats of the triple helix domain are required for the structure and stability of fibrillar collagens (PMID: 7695699, 8218237, 19344236). In COL2A1, variants affecting these glycine residues are significantly enriched in individuals with disease (PMID: 9016532, 17078022) compared to the general population (ExAC). In summary, the currently available evidence indicates that the variant is pathogenic, but additional data are needed to prove that conclusively. Therefore, this variant has been classified as Likely Pathogenic.

Division of Medical Genetics, Department of Pediatrics, All India Institute of Medical Sciences, New Delhi
Classification: Likely pathogenic for Avascular necrosis of femoral head, primary, 1. Last evaluated: 2023-11-27. Review status: criteria provided, single submitter. Criteria: ACMG Guidelines, 2015. Collection method: research. Allele origin: unknown. Inheritance: Autosomal dominant inheritance. Affected: yes.

Genome Diagnostics Laboratory, The Hospital for Sick Children
Classification: Pathogenic for Connective tissue disorder. Last evaluated: 2022-02-08. Review status: criteria provided, single submitter. Criteria: ACMG Guidelines, 2015. Collection method: clinical testing. Allele origin: germline.

Literature cited by the submitters: PubMed 7695699 (cited by Labcorp Genetics (formerly Invitae), Labcorp); PubMed 8218237 (cited by Labcorp Genetics (formerly Invitae), Labcorp); PubMed 19344236 (cited by Labcorp Genetics (formerly Invitae), Labcorp); PubMed 9016532 (cited by Labcorp Genetics (formerly Invitae), Labcorp); PubMed 17078022 (cited by Labcorp Genetics (formerly Invitae), Labcorp).